The following is an entry in ClinVar:

NM_032217.5(ANKRD17):c.5266G>A (p.Gly1756Ser)

Gene: ANKRD17 (ankyrin repeat domain 17; minus strand). Cytogenetic location: 4q13.3.
Variant type: single nucleotide variant.
Coding change: c.5266G>A on transcript NM_032217.5 (MANE Select); coding-DNA position 5266, G replaced by A.
Protein change: p.Gly1756Ser; replaces glycine 1756 with serine.
Molecular consequence: missense variant.
Genome position (GRCh38, 1-based): chr4:73,094,140, C>T on the plus strand (G>A on the coding strand, the complement: ANKRD17 is on the minus strand). VCF-style: chr4-73094140-C-T. GRCh37 (hg19) VCF-style: chr4-73959857-C-T.
Other names: c.4927G>A, p.Gly1643Ser (NM_001286771.3); c.5263G>A, p.Gly1755Ser (NM_015574.2); c.4513G>A, p.Gly1505Ser (NM_198889.3); short protein forms G1505S, G1756S, G1755S, G1643S.
Identifiers: ClinVar variation 3572635 (VCV003572635.1).

ClinVar aggregate classification (germline): Uncertain significance (1 of 4 stars; one submission).

Submission:

GeneDx
Classification: Uncertain significance. Last evaluated: 2024-07-08. Review status: criteria provided, single submitter. Criteria: GeneDx Variant Classification Process June 2021. Collection method: clinical testing. Allele origin: germline. Affected: yes.
Comment: Not observed at significant frequency in large population cohorts (gnomAD); In silico analysis supports that this missense variant has a deleterious effect on protein structure/function; Has not been previously published as pathogenic or benign to our knowledge